The following is an entry in ClinVar:

NM_006785.4(MALT1):c.2172G>T (p.Lys724Asn)

Gene: MALT1 (MALT1 paracaspase; plus strand). Cytogenetic location: 18q21.32.
Variant type: single nucleotide variant.
Coding change: c.2172G>T on transcript NM_006785.4 (MANE Select); coding-DNA position 2172, G replaced by T.
Protein change: p.Lys724Asn; replaces lysine 724 with asparagine.
Molecular consequence: missense variant.
Genome position (GRCh38, 1-based): chr18:58,747,539, G>T. VCF-style: chr18-58747539-G-T. GRCh37 (hg19) VCF-style: chr18-56414771-G-T.
Other names: c.2139G>T, p.Lys713Asn (NM_173844.3); short protein forms K713N, K724N.
Identifiers: ClinVar variation 1901223 (VCV001901223.2), dbSNP rs368696986, ClinGen allele CA8978071.

ClinVar aggregate classification (germline): Uncertain significance (1 of 4 stars; one submission).

Conditions:
Combined immunodeficiency due to MALT1 deficiency. Also called: Immunodeficiency 12. Identifiers: Orphanet 397964, MedGen C3809583, MONDO:0014197, OMIM 615468.

Allele frequency attached by ClinVar (database versions not stated): ExAC 0.00001; gnomAD 0.00001; gnomAD exomes 0.00001; TOPMed 0.00002; ESP Exome Variant Server 0.00008.
gnomAD v4.1: 13 of 1,614,028 alleles (0.00081%); highest among the groups gnomAD compares: Non-Finnish European, 0.0011%; no homozygotes.

Submission:

Labcorp Genetics (formerly Invitae), Labcorp
Classification: Uncertain significance for Combined immunodeficiency due to MALT1 deficiency. Last evaluated: 2022-08-06. Review status: criteria provided, single submitter. Criteria: Invitae Variant Classification Sherloc (09022015). Collection method: clinical testing. Allele origin: germline.
Comment: This sequence change replaces lysine, which is basic and polar, with asparagine, which is neutral and polar, at codon 724 of the MALT1 protein (p.Lys724Asn). This variant is present in population databases (rs368696986, gnomAD 0.0009%). This variant has not been reported in the literature in individuals affected with MALT1-related conditions. Algorithms developed to predict the effect of missense changes on protein structure and function (SIFT, PolyPhen-2, Align-GVGD) all suggest that this variant is likely to be tolerated. In summary, the available evidence is currently insufficient to determine the role of this variant in disease. Therefore, it has been classified as a Variant of Uncertain Significance.